The following is an entry in ClinVar:

ClinVar aggregate classification (germline): Uncertain significance (1 of 4 stars; one submission).

Allele frequency attached by ClinVar (database versions not stated): gnomAD exomes below 0.00001.
gnomAD v4.1: 4 of 1,613,862 alleles (0.00025%); highest among the groups gnomAD compares: Non-Finnish European, 0.00034%; no homozygotes.

Submission:

Labcorp Genetics (formerly Invitae), Labcorp
Classification: Uncertain significance. Last evaluated: 2022-03-29. Review status: criteria provided, single submitter. Criteria: Invitae Variant Classification Sherloc (09022015). Collection method: clinical testing. Allele origin: germline.
Comment: This sequence change replaces histidine, which is basic and polar, with arginine, which is basic and polar, at codon 130 of the ABCA4 protein (p.His130Arg). This variant is not present in population databases (gnomAD no frequency). This variant has not been reported in the literature in individuals affected with ABCA4-related conditions. Advanced modeling of protein sequence and biophysical properties (such as structural, functional, and spatial information, amino acid conservation, physicochemical variation, residue mobility, and thermodynamic stability) performed at Invitae indicates that this missense variant is not expected to disrupt ABCA4 protein function. In summary, the available evidence is currently insufficient to determine the role of this variant in disease. Therefore, it has been classified as a Variant of Uncertain Significance.

NM_000350.3(ABCA4):c.389A>G (p.His130Arg)

Gene: ABCA4 (ATP binding cassette subfamily A member 4; minus strand). Cytogenetic location: 1p22.1.
Variant type: single nucleotide variant.
Coding change: c.389A>G on transcript NM_000350.3 (MANE Select); coding-DNA position 389, A replaced by G.
Protein change: p.His130Arg; replaces histidine 130 with arginine.
Molecular consequence: missense variant.
Genome position (GRCh38, 1-based): chr1:94,108,630, T>C on the plus strand (A>G on the coding strand, the complement: ABCA4 is on the minus strand). VCF-style: chr1-94108630-T-C. GRCh37 (hg19) VCF-style: chr1-94574186-T-C.
Other names: c.389A>G, p.His130Arg (NM_001425324.1); short protein forms H130R.
Identifiers: ClinVar variation 1902905 (VCV001902905.2), dbSNP rs2101155828, ClinGen allele CA341293062.